The following is an entry in ClinVar:

NM_005611.4(RBL2):c.2226G>A (p.Thr742=)

Gene: RBL2 (RB transcriptional corepressor like 2; plus strand). Cytogenetic location: 16q12.2.
Variant type: single nucleotide variant.
Coding change: c.2226G>A on transcript NM_005611.4 (MANE Select); coding-DNA position 2226, G replaced by A.
Protein change: p.Thr742=; no amino-acid change (threonine 742 retained).
Molecular consequence: synonymous variant.
Genome position (GRCh38, 1-based): chr16:53,470,166, G>A. VCF-style: chr16-53470166-G-A. GRCh37 (hg19) VCF-style: chr16-53504078-G-A.
Other names: c.2226G>A, p.Thr742= (NM_001323608.2, NM_001323609.2, NM_001323610.2); c.2004G>A, p.Thr668= (NM_001323611.1).
Identifiers: ClinVar variation 3770789 (VCV003770789.13).
Genomic context (GRCh38, chr16:53,470,166, plus strand): 5'-TCCTGGACAGACTTTGGTCACCATGGCAACCGCCACTGTCACAGCCAACAATGGGCAAAC[G>A]GTAACCATTCCTGTGCAAGGTAAGGAAGGCAGAGTTGGATATTGAGTTCCTTCTCTGTGG-3'
Protein context (NP_005602.3, residues 732-752): TATVTANNGQ[Thr742=]VTIPVQGIAN

ClinVar aggregate classification (germline): Likely benign (1 of 4 stars; one submission).

gnomAD v4.1: 13 of 1,609,300 alleles (0.00081%); highest among the groups gnomAD compares: South Asian, 0.0022%; no homozygotes.

Submission:

CeGaT Center for Human Genetics Tuebingen
Classification: Likely benign. Last evaluated: 2025-02-01. Review status: criteria provided, single submitter. Criteria: CeGaT Center For Human Genetics Tuebingen Variant Classification Criteria Version 2. Collection method: clinical testing. Allele origin: germline. Affected: yes. Observed: 1 variant allele.
Comment: RBL2: BP4, BP7